The following is an entry in ClinVar:

ClinVar aggregate classification (germline): Uncertain significance. Review status: criteria provided, multiple submitters, no conflicts (2 of 4 stars). 2 submissions from 2 submitters: Uncertain significance (2). Last evaluated 2022-02-02.

Conditions:
Hereditary spastic paraplegia 15 (SPG15). Also called: SPASTIC PARAPLEGIA 15, AUTOSOMAL RECESSIVE; SPASTIC PARAPLEGIA AND RETINAL DEGENERATION; KJELLIN SYNDROME. Identifiers: Orphanet 100996, MedGen C1849128, MONDO:0010044, OMIM 270700.
Spastic paraplegia. Identifiers: MedGen C0037772, HP:0001258.

Allele frequency attached by ClinVar (database versions not stated): TOPMed below 0.00001; gnomAD exomes 0.00001.
gnomAD v4.1: 19 of 1,612,534 alleles (0.0012%); highest among the groups gnomAD compares: Non-Finnish European, 0.0015%; no homozygotes.

Submissions (2):

Victorian Clinical Genetics Services, Murdoch Childrens Research Institute
Classification: Uncertain significance for Hereditary spastic paraplegia 15. Last evaluated: 2022-02-02. Review status: criteria provided, single submitter. Criteria: ACMG Guidelines, 2015. Collection method: clinical testing. Allele origin: germline. Inheritance: Autosomal recessive inheritance.
Comment: Based on the classification scheme VCGS_Germline_v1.3.4, this variant is classified as VUS-3B. Following criteria are met: 0102 - Loss of function is a known mechanism of disease in this gene and is associated with spastic paraplegia 15 (MIM#270700). (I) 0106 - This gene is associated with autosomal recessive disease. (I) 0200 - Variant is predicted to result in a missense amino acid change from a proline to a serine (exon 28). (I) 0251 - Variant is heterozygous. (I) 0301 - Variant is absent from gnomAD (both v2 and v3). (SP) 0309 - An alternative amino acid change at the same position has been observed in gnomAD (v3) (3 heterozygotes, 0 homozygotes). (I) 0502 - Missense variant with conflicting in silico predictions and uninformative conservation. (I) 0600 - Variant is located in an annotated zinc finger domain (NCBI). (I) 0705 - No comparable missense variants have previous evidence for pathogenicity. (I) 0807 - This variant has no previous evidence of pathogenicity. (I) 0905 - No published segregation evidence has been identified for this variant. (I) 1007 - No published functional evidence has been identified for this variant. (I) 1208 - Inheritance information for this variant is not currently available in this individual. (I) Legend: (SP) - Supporting pathogenic, (I) - Information, (SB) - Supporting benign

Labcorp Genetics (formerly Invitae), Labcorp
Classification: Uncertain significance for Spastic paraplegia. Last evaluated: 2021-12-08. Review status: criteria provided, single submitter. Criteria: Invitae Variant Classification Sherloc (09022015). Collection method: clinical testing. Allele origin: germline.
Comment: This sequence change replaces proline, which is neutral and non-polar, with serine, which is neutral and polar, at codon 1811 of the ZFYVE26 protein (p.Pro1811Ser). This variant is not present in population databases (gnomAD no frequency). This variant has not been reported in the literature in individuals affected with ZFYVE26-related conditions. Algorithms developed to predict the effect of missense changes on protein structure and function are either unavailable or do not agree on the potential impact of this missense change (SIFT: "Tolerated"; PolyPhen-2: "Probably Damaging"; Align-GVGD: "Class C0"). In summary, the available evidence is currently insufficient to determine the role of this variant in disease. Therefore, it has been classified as a Variant of Uncertain Significance.

NM_015346.4(ZFYVE26):c.5431C>T (p.Pro1811Ser)

Gene: ZFYVE26 (zinc finger FYVE-type containing 26; minus strand). Cytogenetic location: 14q24.1.
Variant type: single nucleotide variant.
Coding change: c.5431C>T on transcript NM_015346.4 (MANE Select); coding-DNA position 5431, C replaced by T.
Protein change: p.Pro1811Ser; replaces proline 1811 with serine.
Molecular consequence: missense variant.
Genome position (GRCh38, 1-based): chr14:67,772,100, G>A on the plus strand (C>T on the coding strand, the complement: ZFYVE26 is on the minus strand). VCF-style: chr14-67772100-G-A. GRCh37 (hg19) VCF-style: chr14-68238817-G-A.
Other names: short protein forms P1811S.
Identifiers: ClinVar variation 1477535 (VCV001477535.4), dbSNP rs1012956419, ClinGen allele CA262833796.